The following is an entry in ClinVar:

NM_004006.3(DMD):c.8692C>T (p.Gln2898Ter)

Gene: DMD (dystrophin; minus strand). Cytogenetic location: Xp21.2.
Variant type: single nucleotide variant.
Coding change: c.8692C>T on transcript NM_004006.3 (MANE Select); coding-DNA position 8692, C replaced by T.
Protein change: p.Gln2898Ter; replaces glutamine 2898 with a stop codon.
Molecular consequence: nonsense.
Genome position (GRCh38, 1-based): chrX:31,478,351, G>A on the plus strand (C>T on the coding strand, the complement: DMD is on the minus strand). VCF-style: chrX-31478351-G-A. GRCh37 (hg19) VCF-style: chrX-31496468-G-A.
Other names: c.8668C>T, p.Gln2890Ter (NM_000109.4); c.8680C>T, p.Gln2894Ter (NM_004009.3); c.8323C>T, p.Gln2775Ter (NM_004010.3); c.4669C>T, p.Gln1557Ter (NM_004011.4); c.4660C>T, p.Gln1554Ter (NM_004012.4); c.1312C>T, p.Gln438Ter (NM_004013.3, NM_004020.4, NM_004021.3 and 2 more transcripts); c.505C>T, p.Gln169Ter (NM_004014.3); short protein forms Q1554*, Q1557*, Q169*, Q2775*, Q2890*, Q2894*, Q2898*, Q438*.
Identifiers: ClinVar variation 2737142 (VCV002737142.3), dbSNP rs2149254230, ClinGen allele CA412654363.

ClinVar aggregate classification (germline): Pathogenic (1 of 4 stars; one submission).

Conditions:
Duchenne muscular dystrophy (DMD). Also called: MUSCULAR DYSTROPHY, PSEUDOHYPERTROPHIC PROGRESSIVE, DUCHENNE TYPE; Duchenne Muscular Dystrophy (DMD). Identifiers: Orphanet 98896, MedGen C0013264, MONDO:0010679, OMIM 310200.

Submission:

Labcorp Genetics (formerly Invitae), Labcorp
Classification: Pathogenic for Duchenne muscular dystrophy. Last evaluated: 2022-12-09. Review status: criteria provided, single submitter. Criteria: Invitae Variant Classification Sherloc (09022015). Collection method: clinical testing. Allele origin: germline.
Comment: For these reasons, this variant has been classified as Pathogenic. ClinVar contains an entry for this variant (Variation ID: 1322464). This premature translational stop signal has been observed in individual(s) with clinical features of DMD-related conditions (PMID: 23299919, 33552634). This variant is not present in population databases (gnomAD no frequency). This sequence change creates a premature translational stop signal (p.Gln2898*) in the DMD gene. It is expected to result in an absent or disrupted protein product. Loss-of-function variants in DMD are known to be pathogenic (PMID: 16770791, 25007885).

Literature cited by the submitters: PubMed 23299919; PubMed 33552634; PubMed 16770791; PubMed 25007885.